The following is an entry in ClinVar:

ClinVar aggregate classification (germline): Uncertain significance (1 of 4 stars; one submission).

Conditions:
Inborn genetic diseases. Identifiers: MedGen C0950123, MeSH D030342.

Submission:

Ambry Genetics
Classification: Uncertain significance for Inborn genetic diseases. Last evaluated: 2025-08-29. Review status: criteria provided, single submitter. Criteria: Ambry Variant Classification Scheme 2023. Collection method: clinical testing. Allele origin: germline.
Comment: The p.Q822L variant (also known as c.2465A>T), located in coding exon 26 of the RTEL1 gene, results from an A to T substitution at nucleotide position 2465. The glutamine at codon 822 is replaced by leucine, an amino acid with dissimilar properties. This amino acid position is conserved. In addition, this alteration is predicted to be tolerated by in silico analysis. Based on the available evidence, the clinical significance of this variant remains unclear.

NM_001283009.2(RTEL1):c.2465A>T (p.Gln822Leu)

Genes: RTEL1 (regulator of telomere elongation helicase 1; plus strand), RTEL1-TNFRSF6B (RTEL1-TNFRSF6B readthrough (NMD candidate); plus strand). Cytogenetic location: 20q13.33.
Variant type: single nucleotide variant.
Coding change: c.2465A>T on transcript NM_001283009.2 (MANE Select); coding-DNA position 2465, A replaced by T.
Protein change: p.Gln822Leu; replaces glutamine 822 with leucine.
Molecular consequence: missense variant. On other transcripts: non-coding transcript variant (1).
Genome position (GRCh38, 1-based): chr20:63,690,856, A>T. VCF-style: chr20-63690856-A-T. GRCh37 (hg19) VCF-style: chr20-62322209-A-T.
Other names: c.1796A>T, p.Gln599Leu (NM_001283010.1); c.2465A>T, p.Gln822Leu (NM_016434.4); c.2537A>T, p.Gln846Leu (NM_032957.5); short protein forms Q599L, Q846L, Q822L.
Identifiers: ClinVar variation 4157710 (VCV004157710.1).